The following is an entry in ClinVar:

NC_000008.11:g.(?_89935572)_(89984571_?)del

Genes: NBN (nibrin; minus strand), LOC126860438 (MED14-independent group 3 enhancer GRCh37_chr8:90959982-90961181; plus strand), LOC130000714 (ATAC-STARR-seq lymphoblastoid active region 27608; plus strand). Cytogenetic location: 8q21.3.
Variant type: Deletion.
Identifiers: ClinVar variation 584293 (VCV000584293.9).

ClinVar aggregate classification (germline): Pathogenic (1 of 4 stars; one submission).

Conditions:
Microcephaly, normal intelligence and immunodeficiency (NBS). Also called: Ataxia telangiectasia variant V1; SEEMANOVA SYNDROME II; Immunodeficiency, microcephaly with normal intelligence; Nijmegen breakage syndrome; Microcephaly with normal intelligence immunodeficiency and lymphoreticular malignancies; Nonsyndromal microcephaly autosomal recessive with normal intelligence. Identifiers: Orphanet 647, MedGen C0398791, MONDO:0009623, OMIM 251260.

Submission:

Labcorp Genetics (formerly Invitae), Labcorp
Classification: Pathogenic for Microcephaly, normal intelligence and immunodeficiency. Last evaluated: 2022-04-12. Review status: criteria provided, single submitter. Criteria: Invitae Variant Classification Sherloc (09022015). Collection method: clinical testing. Allele origin: germline.
Comment: A gross deletion of the genomic region encompassing the full coding sequence of the NBN gene has been identified. Loss-of-function variants in NBN are known to be pathogenic (PMID: 9590180, 16415040). The boundaries of this event are unknown as they extend beyond the assayed region for this gene and therefore may encompass additional genes. This variant has not been reported in the literature in individuals affected with NBN-related conditions. For these reasons, this variant has been classified as Pathogenic.

Literature cited by the submitters: PubMed 9590180; PubMed 16415040.